The following is an entry in ClinVar:

ClinVar aggregate classification (germline): Conflicting classifications of pathogenicity. Review status: criteria provided, conflicting classifications (1 of 4 stars). 2 submissions from 2 submitters: Uncertain significance (1); Likely benign (1). Last evaluated 2024-11-05.

Allele frequency attached by ClinVar (database versions not stated): ESP Exome Variant Server 0.00023; gnomAD 0.00027 and 0.00029; gnomAD exomes 0.00027 and 0.00065; TOPMed 0.00036; ExAC 0.00042.
gnomAD v4.1: 1,006 of 1,592,950 alleles (0.063%); highest among the groups gnomAD compares: Non-Finnish European, 0.079%; no homozygotes.

Submissions (2):

Labcorp Genetics (formerly Invitae), Labcorp
Classification: Uncertain significance. Last evaluated: 2024-11-05. Review status: criteria provided, single submitter. Criteria: Invitae Variant Classification Sherloc (09022015). Collection method: clinical testing. Allele origin: germline.
Comment: This sequence change replaces serine, which is neutral and polar, with leucine, which is neutral and non-polar, at codon 171 of the SAMD11 protein (p.Ser171Leu). This variant is present in population databases (rs199625867, gnomAD 0.05%). This variant has not been reported in the literature in individuals affected with SAMD11-related conditions. ClinVar contains an entry for this variant (Variation ID: 950252). An algorithm developed to predict the effect of missense changes on protein structure and function (PolyPhen-2) suggests that this variant¬†is likely to be tolerated. In summary, the available evidence is currently insufficient to determine the role of this variant in disease. Therefore, it has been classified as a Variant of Uncertain Significance.

Blueprint Genetics
Classification: Likely benign. Last evaluated: 2024-09-19. Review status: criteria provided, single submitter. Criteria: ACMG Guidelines, 2015. Collection method: clinical testing. Allele origin: germline.

NM_001385641.1(SAMD11):c.1049C>T (p.Ser350Leu)

Gene: SAMD11 (sterile alpha motif domain containing 11; plus strand). Cytogenetic location: 1p36.33.
Variant type: single nucleotide variant.
Coding change: c.1049C>T on transcript NM_001385641.1 (MANE Select); coding-DNA position 1049, C replaced by T.
Protein change: p.Ser350Leu; replaces serine 350 with leucine.
Molecular consequence: missense variant.
Genome position (GRCh38, 1-based): chr1:939,121, C>T. VCF-style: chr1-939121-C-T. GRCh37 (hg19) VCF-style: chr1-874501-C-T.
Other names: c.1049C>T, p.Ser350Leu (NM_001385640.1); c.512C>T, p.Ser171Leu (NM_152486.4); short protein forms S171L, S350L.
Identifiers: ClinVar variation 950252 (VCV000950252.7), dbSNP rs199625867, ClinGen allele CA502654.
Genomic context (GRCh38, chr1:939,121, plus strand): 5'-TGGGCCGCTCCCCCCGTATCAGCAGCGACTGCTTTTCAGAGAAGAGGGCACGAAGCGAAT[C>T]GCCTCAAGGTAAGAGCGTGGCTGGGACGAGAGACAGGTCACCAGGGGAGGGGGCAGTCCC-3'
Protein context (NP_001372570.1, residues 340-360): CFSEKRARSE[Ser350Leu]PQEALLLPRE